The following is an entry in ClinVar:

NM_024675.4(PALB2):c.2552_2556del (p.Asn851fs)

Gene: PALB2 (partner and localizer of BRCA2; minus strand). Cytogenetic location: 16p12.2.
Variant type: Deletion.
Coding change: c.2552_2556del on transcript NM_024675.4 (MANE Select); coding-DNA positions 2552 to 2556, 5 bases deleted (ACCCA; older notation c.2552_2556delACCCA).
Protein change: p.Asn851fs; shifts the reading frame from asparagine 851.
Molecular consequence: frameshift variant. On other transcripts: intron variant (1).
Genome position (GRCh38, 1-based): chr16:23,629,234-23,629,238, TGGGT deleted on the plus strand (ACCCA on the coding strand, the reverse complement: PALB2 is on the minus strand); deleting any 5 consecutive bases within chr16:23,629,234-23,629,239 gives the same sequence; the c. name uses the placement nearest the transcript's 3' end. VCF-style (leftmost placement, unchanged base first): chr16-23629233-CTGGGT-C. GRCh37 (hg19) VCF-style: chr16-23640554-CTGGGT-C.
Other names: c.2492_2496del, p.Asn831fs (NM_001407296.1); c.2552_2556del, p.Asn851fs (NM_001407298.1, NM_001407299.1, NM_001407300.1 and 2 more transcripts); c.1667_1671del, p.Asn556fs (NM_001407304.1, NM_001407305.1, NM_001407306.1 and 5 more transcripts); c.764_768del, p.Asn255fs (NM_001407312.1, NM_001407313.1); c.86_90del, p.Asn29fs (NM_001407314.1); c.2514+402_2514+406del (NM_001407297.1); short protein forms N255fs, N29fs, N556fs, N831fs, N851fs.
Identifiers: ClinVar variation 2674095 (VCV002674095.1), dbSNP rs2506396546, ClinGen allele CA2695197452.

ClinVar aggregate classification (germline): Pathogenic (1 of 4 stars; one submission).

Conditions:
Familial cancer of breast. Also called: Hereditary breast cancer; BREAST CANCER, FAMILIAL; hereditary breast carcinoma. Identifiers: Orphanet 227535, MedGen C0346153, MONDO:0016419, OMIM 114480. Disease mechanism: loss of function.

Submission:

Myriad Genetics, Inc.
Classification: Pathogenic for Familial cancer of breast. Last evaluated: 2023-09-13. Review status: criteria provided, single submitter. Criteria: Myriad Autosomal Dominant, Autosomal Recessive and X-Linked Classification Criteria (2023). Collection method: clinical testing. Allele origin: unknown.
Comment: This variant is considered pathogenic. This variant creates a frameshift predicted to result in premature protein truncation.